The following is an entry in ClinVar:

NM_007294.4(BRCA1):c.1920A>T (p.Gln640His)

Gene: BRCA1 (BRCA1 DNA repair associated; minus strand). Cytogenetic location: 17q21.31.
Variant type: single nucleotide variant.
Coding change: c.1920A>T on transcript NM_007294.4 (MANE Select); coding-DNA position 1920, A replaced by T.
Protein change: p.Gln640His; replaces glutamine 640 with histidine.
Molecular consequence: missense variant. On other transcripts: intron variant (137).
Genome position (GRCh38, 1-based): chr17:43,093,611, T>A on the plus strand (A>T on the coding strand, the complement: BRCA1 is on the minus strand). VCF-style: chr17-43093611-T-A. GRCh37 (hg19) VCF-style: chr17-41245628-T-A.
Other names: 2039A>T; c.577+1133A>T (NM_001408492.1, NM_001408513.1, NM_001408489.1 and 9 more transcripts); c.643+1133A>T (NM_001408468.1, NM_001408465.1, NM_001408463.1 and 3 more transcripts); c.523+1133A>T (NM_001408501.1, NM_001408500.1, NM_001408497.1 and 3 more transcripts); c.646+1133A>T (NM_001408455.1, NM_001408466.1, NM_001408452.1 and 11 more transcripts); c.520+1133A>T (NM_001408503.1, NM_001408505.1, NM_001408504.1); c.787+1133A>T (NM_001407973.1, NM_001408403.1, NM_001407983.1 and 19 more transcripts); c.404-2579A>T (NM_001408511.1); and 41 more; short protein forms Q640H, Q593H, Q344H, Q528H, Q572H, Q573H, Q592H, Q639H.
Identifiers: ClinVar variation 142950 (VCV000142950.26), dbSNP rs587782843, ClinGen allele CA001263.

ClinVar aggregate classification (germline): Conflicting classifications of pathogenicity. Review status: criteria provided, conflicting classifications (1 of 4 stars). 8 submissions from 8 submitters: Uncertain significance (6); Likely benign (1). 1 of the submissions does not count toward it. Last evaluated 2024-12-20.

Conditions:
Hereditary cancer-predisposing syndrome. Also called: Tumor predisposition; Hereditary neoplastic syndrome; Hereditary Cancer Syndrome; Neoplastic Syndromes, Hereditary. Identifiers: Orphanet 140162, MedGen C0027672, MeSH D009386, MONDO:0015356.
Fanconi anemia, complementation group S (FANCS). Identifiers: MedGen C4554406, MONDO:0054748, OMIM 617883.
Hereditary breast ovarian cancer syndrome. Also called: Hereditary breast and/or ovarian cancer syndrome; Breast and ovarian cancer; Hereditary breast and ovarian cancer syndrome; Hereditary breast and ovarian cancer; Hereditary breast and ovarian cancer syndrome (HBOC); BRCA1- and BRCA2-Associated Hereditary Breast and Ovarian Cancer. Identifiers: Orphanet 145, MedGen C0677776, MeSH D061325, MONDO:0003582. Disease mechanism: loss of function.
Breast-ovarian cancer, familial, susceptibility to, 1 (BROVCA1). Also called: BRCA1 Hereditary Breast and Ovarian Cancer; OVARIAN CANCER, SUSCEPTIBILITY TO. Identifiers: Orphanet 145, MedGen C2676676, MONDO:0011450, OMIM 604370. Disease mechanism: loss of function.

Allele frequency attached by ClinVar (database versions not stated): gnomAD exomes below 0.00001; gnomAD 0.00001.
gnomAD v4.1: 4 of 1,613,972 alleles (0.00025%); highest among the groups gnomAD compares: African/African-American, 0.004%; no homozygotes.

Submissions (8):

Labcorp Genetics (formerly Invitae), Labcorp
Classification: Uncertain significance for Hereditary breast ovarian cancer syndrome. Last evaluated: 2024-12-20. Review status: criteria provided, single submitter. Criteria: Invitae Variant Classification Sherloc (09022015). Collection method: clinical testing. Allele origin: germline.
Comment: This sequence change replaces glutamine, which is neutral and polar, with histidine, which is basic and polar, at codon 640 of the BRCA1 protein (p.Gln640His). This variant is present in population databases (rs587782843, gnomAD 0.007%). This variant has not been reported in the literature in individuals affected with BRCA1-related conditions. ClinVar contains an entry for this variant (Variation ID: 142950). Invitae Evidence Modeling of protein sequence and biophysical properties (such as structural, functional, and spatial information, amino acid conservation, physicochemical variation, residue mobility, and thermodynamic stability) indicates that this missense variant is not expected to disrupt BRCA1 protein function with a negative predictive value of 80%. In summary, the available evidence is currently insufficient to determine the role of this variant in disease. Therefore, it has been classified as a Variant of Uncertain Significance.

Quest Diagnostics Nichols Institute San Juan Capistrano
Classification: Uncertain significance. Last evaluated: 2024-07-29. Review status: criteria provided, single submitter. Criteria: Quest Diagnostics criteria. Collection method: clinical testing. Allele origin: unknown.
Comment: The BRCA1 c.1920A>T (p.Gln640His) variant has been reported in the published literature be located in a region of the BRCA1 gene that is tolerant to missense sequence changes (PMID: 31911673 (2020)). To the best of our knowledge, this variant has not been reported in individuals with BRCA1-related disorders. The frequency of this variant in the general population, 0.000004 (1/251046 chromosomes (Genome Aggregation Database)), is uninformative in the assessment of its pathogenicity. Analysis of this variant using bioinformatics tools for the prediction of the effect of amino acid changes on protein structure and function yielded conflicting predictions that this variant is benign or damaging. Based on the available information, we are unable to determine the clinical significance of this variant.

Ambry Genetics
Classification: Uncertain significance for Hereditary cancer-predisposing syndrome. Last evaluated: 2023-06-10. Review status: criteria provided, single submitter. Criteria: Ambry Variant Classification Scheme 2023. Collection method: clinical testing. Allele origin: germline.
Comment: The p.Q640H variant (also known as c.1920A>T), located in coding exon 9 of the BRCA1 gene, results from an A to T substitution at nucleotide position 1920. The glutamine at codon 640 is replaced by histidine, an amino acid with highly similar properties. This amino acid position is well conserved in available vertebrate species. In addition, the in silico prediction for this alteration is inconclusive. Since supporting evidence is limited at this time, the clinical significance of this alteration remains unclear.

University of Washington Department of Laboratory Medicine, University of Washington
Classification: Likely benign for Hereditary cancer-predisposing syndrome. Last evaluated: 2023-03-23. Review status: criteria provided, single submitter. Criteria: Dines et al. (Genet Med. 2020). Collection method: curation. Allele origin: germline.
Comment: Missense variant in a coldspot region where missense variants are very unlikely to be pathogenic (PMID:31911673).

BRCA1 coldspot (exon 11 using historical exon numbering). Reclassification based on statistical prior probability

Department of Pathology and Laboratory Medicine, Sinai Health System
Classification: Uncertain significance for Fanconi anemia, complementation group S. Last evaluated: 2022-08-24. Review status: criteria provided, single submitter. Criteria: ACMG Guidelines, 2015. Collection method: clinical testing. Allele origin: germline. Affected: yes.

Women's Health and Genetics/Laboratory Corporation of America, LabCorp
Classification: Uncertain significance. Last evaluated: 2021-01-11. Review status: criteria provided, single submitter. Criteria: LabCorp Variant Classification Summary - May 2015. Collection method: clinical testing. Allele origin: germline.
Comment: Variant summary: BRCA1 c.1920A>T (p.Gln640His) results in a non-conservative amino acid change in the encoded protein sequence. Four of five in-silico tools predict a damaging effect of the variant on protein function. The variant allele was found at a frequency of 4e-06 in 251046 control chromosomes. The available data on variant occurrences in the general population are insufficient to allow any conclusion about variant significance. To our knowledge, no occurrence of c.1920A>T in individuals affected with Hereditary Breast And Ovarian Cancer Syndrome and no experimental evidence demonstrating its impact on protein function have been reported. Two clinical diagnostic laboratories have submitted clinical-significance assessments for this variant to ClinVar after 2014 without evidence for independent evaluation. All laboratories classified the variant as uncertain significance. Based on the evidence outlined above, the variant was classified as uncertain significance.

Color Diagnostics, LLC DBA Color Health
Classification: Uncertain significance for Hereditary cancer-predisposing syndrome. Last evaluated: 2019-06-07. Review status: criteria provided, single submitter. Criteria: ACMG Guidelines, 2015. Collection method: clinical testing. Allele origin: germline.

Sharing Clinical Reports Project (SCRP)
Classification: Uncertain significance for Breast-ovarian cancer, familial 1. Last evaluated: 2010-04-05. Review status: no assertion criteria provided. Collection method: clinical testing. Allele origin: germline. Not counted in ClinVar's aggregate classification.

Literature cited by the submitters: PubMed 31911673 (cited by Quest Diagnostics Nichols Institute San Juan Capistrano); PubMed 31853058 (cited by Department of Pathology and Laboratory Medicine, Sinai Health System).